The following is an entry in ClinVar:

NM_001001331.4(ATP2B2):c.571_572delinsGT (p.Lys191Val)

Gene: ATP2B2 (ATPase plasma membrane Ca2+ transporting 2; minus strand). Cytogenetic location: 3p25.3.
Variant type: Indel.
Coding change: c.571_572delinsGT on transcript NM_001001331.4 (MANE Select); coding-DNA positions 571 to 572, AA replaced by GT.
Protein change: p.Lys191Val; replaces lysine 191 with valine.
Molecular consequence: missense variant.
Genome position (GRCh38, 1-based): chr3:10,402,174-10,402,175, TT replaced by AC on the plus strand (AA replaced by GT on the coding strand, the reverse complement: ATP2B2 is on the minus strand). VCF-style: chr3-10402174-TT-AC. GRCh37 (hg19) VCF-style: chr3-10443858-TT-AC.
Other names: c.571_572delinsGT, p.Lys191Val (NM_001330611.3, NM_001353564.1, NM_001363862.1 and 1 more transcripts); short protein forms K191V.
Identifiers: ClinVar variation 3368571 (VCV003368571.1).

ClinVar aggregate classification (germline): Uncertain significance (1 of 4 stars; one submission).

Submission:

GeneDx
Classification: Uncertain significance. Last evaluated: 2024-01-31. Review status: criteria provided, single submitter. Criteria: GeneDx Variant Classification Process June 2021. Collection method: clinical testing. Allele origin: germline. Affected: yes.
Comment: Not observed at significant frequency in large population cohorts (gnomAD); In silico analysis supports a deleterious effect on protein structure/function; In silico analysis supports a deleterious effect on splicing; Has not been previously published as pathogenic or benign to our knowledge